The following is an entry in ClinVar:

ClinVar aggregate classification (germline): Uncertain significance (1 of 4 stars; one submission).

Submission:

GeneDx
Classification: Uncertain significance. Last evaluated: 2023-11-09. Review status: criteria provided, single submitter. Criteria: GeneDx Variant Classification Process June 2021. Collection method: clinical testing. Allele origin: germline. Affected: yes.
Comment: Frameshift variant predicted to result in protein truncation or nonsense mediated decay in a gene for which loss of function is a known mechanism of disease; Has not been previously published as pathogenic or benign to our knowledge

NM_001378414.1(HDAC4):c.1956dup (p.Thr653fs)

Gene: HDAC4 (histone deacetylase 4; minus strand). Cytogenetic location: 2q37.3.
Variant type: Duplication.
Coding change: c.1956dup on transcript NM_001378414.1 (MANE Select); coding-DNA position 1956, one base duplicated (C; older notation c.1956dupC).
Protein change: p.Thr653fs; shifts the reading frame from threonine 653.
Molecular consequence: frameshift variant.
Genome position (GRCh38, 1-based): chr2:239,111,548, G duplicated on the plus strand (C on the coding strand, the reverse complement: HDAC4 is on the minus strand); the first of 6 consecutive G bases (chr2:239,111,548-239,111,553); duplicating any one gives the same sequence. VCF-style (leftmost placement, unchanged base first): chr2-239111547-T-TG. GRCh37 (hg19) VCF-style: chr2-240033243-T-TG.
Other names: c.1956dup, p.Thr653fs (NM_001378415.1); c.1941dup, p.Thr648fs (NM_001378416.1, NM_001378417.1, NM_006037.4); short protein forms T648fs, T653fs.
Identifiers: ClinVar variation 3364022 (VCV003364022.1).